The following is an entry in ClinVar:

ClinVar aggregate classification (germline): Uncertain significance. Review status: criteria provided, multiple submitters, no conflicts (2 of 4 stars). 2 submissions from 2 submitters: Uncertain significance (2). Last evaluated 2025-08-27.

Conditions:
Familial adenomatous polyposis 2. Also called: FAP type 2; Adenomas, multiple colorectal; MUTYH-associated polyposis; MUTYH-related attenuated familial adenomatous polyposis; MYH-associated polyposis; COLORECTAL ADENOMATOUS POLYPOSIS, AUTOSOMAL RECESSIVE. Identifiers: Orphanet 220460, Orphanet 247798, MedGen C3272841, MONDO:0012041, OMIM 608456.
Hereditary cancer-predisposing syndrome. Also called: Neoplastic Syndromes, Hereditary; Hereditary Cancer Syndrome; Hereditary neoplastic syndrome; Tumor predisposition. Identifiers: Orphanet 140162, MedGen C0027672, MeSH D009386, MONDO:0015356.

Allele frequency attached by ClinVar (database versions not stated): gnomAD exomes below 0.00001.
gnomAD v4.1: 2 of 1,614,178 alleles (0.00012%); highest among the groups gnomAD compares: Non-Finnish European, 0.00017%; no homozygotes.

Submissions (2):

Ambry Genetics
Classification: Uncertain significance for Hereditary cancer-predisposing syndrome. Last evaluated: 2025-08-27. Review status: criteria provided, single submitter. Criteria: Ambry Variant Classification Scheme 2023. Collection method: clinical testing. Allele origin: germline.
Comment: The p.Q526H variant (also known as c.1578G>T), located in coding exon 16 of the MUTYH gene, results from a G to T substitution at nucleotide position 1578. The glutamine at codon 526 is replaced by histidine, an amino acid with highly similar properties. This amino acid position is conserved. In addition, this alteration is predicted to be tolerated by in silico analysis. Based on the available evidence, the clinical significance of this variant remains unclear.

Labcorp Genetics (formerly Invitae), Labcorp
Classification: Uncertain significance for Familial adenomatous polyposis 2. Last evaluated: 2022-05-12. Review status: criteria provided, single submitter. Criteria: Invitae Variant Classification Sherloc (09022015). Collection method: clinical testing. Allele origin: germline.
Comment: In summary, the available evidence is currently insufficient to determine the role of this variant in disease. Therefore, it has been classified as a Variant of Uncertain Significance. Algorithms developed to predict the effect of missense changes on protein structure and function are either unavailable or do not agree on the potential impact of this missense change (SIFT: "Tolerated"; PolyPhen-2: "Probably Damaging"; Align-GVGD: "Class C0"). This variant has not been reported in the literature in individuals affected with MUTYH-related conditions. This variant is not present in population databases (gnomAD no frequency). This sequence change replaces glutamine, which is neutral and polar, with histidine, which is basic and polar, at codon 526 of the MUTYH protein (p.Gln526His).

NM_001048174.2(MUTYH):c.1494G>T (p.Gln498His)

Gene: MUTYH (mutY DNA glycosylase; minus strand). Cytogenetic location: 1p34.1.
Variant type: single nucleotide variant.
Coding change: c.1494G>T on transcript NM_001048174.2 (MANE Select); coding-DNA position 1494, G replaced by T.
Protein change: p.Gln498His; replaces glutamine 498 with histidine.
Molecular consequence: missense variant. On other transcripts: non-coding transcript variant (2).
Genome position (GRCh38, 1-based): chr1:45,329,378, C>A on the plus strand (G>T on the coding strand, the complement: MUTYH is on the minus strand). VCF-style: chr1-45329378-C-A. GRCh37 (hg19) VCF-style: chr1-45795050-C-A.
Other names: c.1494G>T, p.Gln498His (NM_001048171.2, NM_001048173.2, NM_001293195.2 and 6 more transcripts); c.1497G>T, p.Gln499His (NM_001048172.2, NM_001407071.1, NM_001407078.1 and 1 more transcripts); c.1578G>T, p.Gln526His (NM_001128425.2); c.1539G>T, p.Gln513His (NM_001293190.2); c.1527G>T, p.Gln509His (NM_001293191.2, NM_001407069.1, NM_001407077.1); c.1218G>T, p.Gln406His (NM_001293192.2, NM_001293196.2, NM_001407091.1); c.1149G>T, p.Gln383His (NM_001350650.2, NM_001350651.2, NM_001407082.1); c.1410G>T, p.Gln470His (NM_001407075.1); and 5 more; short protein forms Q485H, Q498H, Q499H, Q505H, Q523H, Q406H, Q512H, Q513H.
Identifiers: ClinVar variation 2133890 (VCV002133890.5), dbSNP rs1570312666, ClinGen allele CA340131720.